The following is an entry in ClinVar:

NM_000548.5(TSC2):c.4803dup (p.Glu1602Ter)

Gene: TSC2 (TSC complex subunit 2; plus strand). Cytogenetic location: 16p13.3.
Variant type: Duplication.
Coding change: c.4803dup on transcript NM_000548.5 (MANE Select); coding-DNA position 4803, one base duplicated (T; older notation c.4803dupT).
Protein change: p.Glu1602Ter; replaces glutamic acid 1602 with a stop codon.
Molecular consequence: nonsense.
Genome position (GRCh38, 1-based): chr16:2,086,333, T duplicated. VCF-style (leftmost placement, unchanged base first): chr16-2086332-G-GT. GRCh37 (hg19) VCF-style: chr16-2136333-G-GT.
Other names: c.4602dup, p.Glu1535Ter (NM_001077183.3); c.4734dup, p.Glu1579Ter (NM_001114382.3); c.4494dup, p.Glu1499Ter (NM_001318827.2); c.4458dup, p.Glu1487Ter (NM_001318829.2); c.4071dup, p.Glu1358Ter (NM_001318831.2); c.4635dup, p.Glu1546Ter (NM_001318832.2); c.4605dup, p.Glu1536Ter (NM_001363528.2); c.4671dup, p.Glu1558Ter (NM_001370404.1); and 1 more; short protein forms E1358*, E1546*, E1602*, E1579*, E1487*, E1535*, E1536*, E1499*.
Identifiers: ClinVar variation 834197 (VCV000834197.1), dbSNP rs2090784696, ClinGen allele CA916081787.

ClinVar aggregate classification (germline): Pathogenic (1 of 4 stars; one submission).

Conditions:
Tuberous sclerosis 2 (TSC2). Identifiers: Orphanet 805, MedGen C1860707, MONDO:0013199, OMIM 613254.

Submission:

Labcorp Genetics (formerly Invitae), Labcorp
Classification: Pathogenic for Tuberous sclerosis 2. Last evaluated: 2019-04-11. Review status: criteria provided, single submitter. Criteria: Invitae Variant Classification Sherloc (09022015). Collection method: clinical testing. Allele origin: germline.
Comment: This sequence change creates a premature translational stop signal (p.Glu1602*) in the TSC2 gene. It is expected to result in an absent or disrupted protein product. This variant is not present in population databases (ExAC no frequency). This variant has not been reported in the literature in individuals with TSC2-related conditions. Loss-of-function variants in TSC2 are known to be pathogenic (PMID: 10205261, 17304050). For these reasons, this variant has been classified as Pathogenic.